The following is an entry in ClinVar:

NM_198525.3(KIF7):c.1296G>A (p.Leu432=)

Gene: KIF7 (kinesin family member 7; minus strand). Cytogenetic location: 15q26.1.
Variant type: single nucleotide variant.
Coding change: c.1296G>A on transcript NM_198525.3 (MANE Select); coding-DNA position 1296, G replaced by A.
Protein change: p.Leu432=; no amino-acid change (leucine 432 retained).
Molecular consequence: synonymous variant.
Genome position (GRCh38, 1-based): chr15:89,648,402, C>T on the plus strand (G>A on the coding strand, the complement: KIF7 is on the minus strand). VCF-style: chr15-89648402-C-T. GRCh37 (hg19) VCF-style: chr15-90191633-C-T.
Identifiers: ClinVar variation 317367 (VCV000317367.22), dbSNP rs886051533, ClinGen allele CA10646692.

ClinVar aggregate classification (germline): Conflicting classifications of pathogenicity. Review status: criteria provided, conflicting classifications (1 of 4 stars). 6 submissions from 6 submitters: Uncertain significance (1); Likely benign (4). 1 of the submissions does not count toward it. Last evaluated 2025-04-01.

Conditions:
KIF7-related disorder. Also called: KIF7-related condition.
Acrocallosal syndrome (ACLS). Also called: HALLUX DUPLICATION, POSTAXIAL POLYDACTYLY, AND ABSENCE OF CORPUS CALLOSUM; Schinzel syndrome 1; Absence of corpus callosum with unusual facial appearance, mental deficiency, duplication of the halluces and polydactyly. Identifiers: Orphanet 36, MedGen C0796147, MONDO:0008708, OMIM 200990.

Allele frequency attached by ClinVar (database versions not stated): TOPMed 0.00003; gnomAD 0.00004 and 0.00006.
gnomAD v4.1: 40 of 1,151,408 alleles (0.0035%); highest among the groups gnomAD compares: East Asian, 0.023%; 1 homozygote.

Submissions (6):

CeGaT Center for Human Genetics Tuebingen
Classification: Likely benign. Last evaluated: 2025-04-01. Review status: criteria provided, single submitter. Criteria: CeGaT Center For Human Genetics Tuebingen Variant Classification Criteria Version 2. Collection method: clinical testing. Allele origin: germline. Affected: yes. Observed: 1 variant allele.
Comment: KIF7: BP4, BP7

Blueprint Genetics
Classification: Likely benign. Last evaluated: 2024-11-25. Review status: criteria provided, single submitter. Criteria: ACMG Guidelines, 2015. Collection method: clinical testing. Allele origin: germline.

Labcorp Genetics (formerly Invitae), Labcorp
Classification: Likely benign for Acrocallosal syndrome, Schinzel type. Last evaluated: 2019-12-31. Review status: criteria provided, single submitter. Criteria: Invitae Variant Classification Sherloc (09022015). Collection method: clinical testing. Allele origin: germline.

GeneDx
Classification: Likely benign. Last evaluated: 2019-03-28. Review status: criteria provided, single submitter. Criteria: GeneDx Variant Classification Process June 2021. Collection method: clinical testing. Allele origin: germline. Affected: yes.

Illumina Laboratory Services, Illumina
Classification: Uncertain significance for Acrocallosal syndrome. Last evaluated: 2018-01-12. Review status: criteria provided, single submitter. Criteria: ICSL Variant Classification Criteria 13 December 2019. Collection method: clinical testing. Allele origin: germline.

PreventionGenetics, part of Exact Sciences
Classification: Likely benign for KIF7-related condition. Last evaluated: 2022-05-16. Review status: no assertion criteria provided. Collection method: clinical testing. Allele origin: germline. Not counted in ClinVar's aggregate classification.
Comment: This variant is classified as likely benign based on ACMG/AMP sequence variant interpretation guidelines (Richards et al. 2015 PMID: 25741868, with internal and published modifications).